The following is an entry in ClinVar:

ClinVar aggregate classification (germline): Pathogenic (1 of 4 stars; one submission).

Conditions:
Developmental and epileptic encephalopathy, 19 (DEE19). Also called: Epileptic encephalopathy, early infantile, 19. Identifiers: Orphanet 33069, MedGen C3810400, MONDO:0014328, OMIM 615744.

Submission:

Institute of Human Genetics, FAU Erlangen, Friedrich-Alexander-Universität Erlangen-Nürnberg
Classification: Pathogenic for Developmental and epileptic encephalopathy, 19. Last evaluated: 2016-07-03. Review status: criteria provided, single submitter. Criteria: ACMG Guidelines, 2015. Collection method: clinical testing. Allele origin: de novo. Inheritance: Sporadic. Affected: yes. Observed: 1 variant allele, 1 heterozygote.
Comment: The herewith reported de novo deletion of one base pair (c.1200del) in the last exon of GABRA1 is located downstream of the last splice junction and thus probably escapes nonsense-mediated mRNA decay. The variant is predicted to cause frameshifting and a premature translational stop codon (p.(Lys401Serfs*25)), changing or truncating the last 56 residues of the protein and thus lacking part of the intracellular loop between the last two transmembrane domains and the complete C-terminal transmembrane domain. In the literature, similar variants in GABRA1 and also in other GABA-A subunits have already been associated with disease. Functional studies for these variants could demonstrate a disrupted surface expression, hence leading to a change in subunit composition with reduction of GABA-A mediated inhibition resulting in a predisposition to seizures. Taken together the de novo status of the herewith identified GABRA1 variant c.1200del, the matching phenotype of the patient and the descriptions in the literature argue for the pathogenicity of this variant.

NM_001127644.2(GABRA1):c.1200del (p.Lys401fs)

Gene: GABRA1 (gamma-aminobutyric acid type A receptor subunit alpha1; plus strand). Cytogenetic location: 5q34.
Variant type: Deletion.
Coding change: c.1200del on transcript NM_001127644.2 (MANE Select); coding-DNA position 1200, one base deleted (C; older notation c.1200delC).
Protein change: p.Lys401fs; shifts the reading frame from lysine 401.
Molecular consequence: frameshift variant.
Genome position (GRCh38, 1-based): chr5:161,897,251, C deleted. VCF-style (leftmost placement, unchanged base first): chr5-161897250-TC-T. GRCh37 (hg19) VCF-style: chr5-161324256-TC-T.
Other names: c.1200del, p.Lys401fs (NM_000806.5, NM_001127643.2, NM_001127645.2 and 1 more transcripts); short protein forms K401fs.
Identifiers: ClinVar variation 242830 (VCV000242830.3), dbSNP rs879253748, ClinGen allele CA10584001.